The following is an entry in ClinVar:

NM_017696.3(MCM9):c.1404C>T (p.Ser468=)

Gene: MCM9 (minichromosome maintenance 9 homologous recombination repair factor; minus strand). Cytogenetic location: 6q22.31.
Variant type: single nucleotide variant.
Coding change: c.1404C>T on transcript NM_017696.3 (MANE Select); coding-DNA position 1404, C replaced by T.
Protein change: p.Ser468=; no amino-acid change (serine 468 retained).
Molecular consequence: synonymous variant. On other transcripts: non-coding transcript variant (1).
Genome position (GRCh38, 1-based): chr6:118,829,172, G>A on the plus strand (C>T on the coding strand, the complement: MCM9 is on the minus strand). VCF-style: chr6-118829172-G-A. GRCh37 (hg19) VCF-style: chr6-119150335-G-A.
Other names: c.1404C>T, p.Ser468= (NM_001378356.1, NM_001378357.1, NM_001378359.1 and 2 more transcripts); c.1278C>T, p.Ser426= (NM_001378366.1); c.1206C>T, p.Ser402= (NM_001378367.1).
Identifiers: ClinVar variation 2656889 (VCV002656889.24), dbSNP rs766157559, ClinGen allele CA3978372.

ClinVar aggregate classification (germline): Likely benign (1 of 4 stars; one submission).

Allele frequency attached by ClinVar (database versions not stated): gnomAD 0.00018; TOPMed 0.00020; gnomAD exomes 0.00021; ExAC 0.00036.
gnomAD v4.1: 322 of 1,550,602 alleles (0.021%); highest among the groups gnomAD compares: Middle Eastern, 0.13%; 1 homozygote.

Submission:

CeGaT Center for Human Genetics Tuebingen
Classification: Likely benign. Last evaluated: 2026-09-01. Review status: criteria provided, single submitter. Criteria: CeGaT Center For Human Genetics Tuebingen Variant Classification Criteria Version 2. Collection method: clinical testing. Allele origin: germline. Affected: yes. Observed: 2 variant alleles.
Comment: MCM9: BP4, BP7